The following is an entry in ClinVar:

ClinVar aggregate classification (germline): Uncertain significance (1 of 4 stars; one submission).

Allele frequency attached by ClinVar (database versions not stated): gnomAD exomes below 0.00001.
gnomAD v4.1: 1 of 1,598,198 alleles (0.000063%); highest among the groups gnomAD compares: South Asian, 0.0011%; no homozygotes.

Submission:

Labcorp Genetics (formerly Invitae), Labcorp
Classification: Uncertain significance. Last evaluated: 2022-07-19. Review status: criteria provided, single submitter. Criteria: Invitae Variant Classification Sherloc (09022015). Collection method: clinical testing. Allele origin: germline.
Comment: This variant is not present in population databases (gnomAD no frequency). In summary, the available evidence is currently insufficient to determine the role of this variant in disease. Therefore, it has been classified as a Variant of Uncertain Significance. Algorithms developed to predict the effect of missense changes on protein structure and function are either unavailable or do not agree on the potential impact of this missense change (SIFT: "Deleterious"; PolyPhen-2: "Benign"; Align-GVGD: "Class C0"). ClinVar contains an entry for this variant (Variation ID: 1398788). This variant has not been reported in the literature in individuals affected with ZNF341-related conditions. This sequence change replaces proline, which is neutral and non-polar, with leucine, which is neutral and non-polar, at codon 245 of the ZNF341 protein (p.Pro245Leu).

NM_001282933.2(ZNF341):c.734C>T (p.Pro245Leu)

Gene: ZNF341 (zinc finger protein 341; plus strand). Cytogenetic location: 20q11.22.
Variant type: single nucleotide variant.
Coding change: c.734C>T on transcript NM_001282933.2 (MANE Select); coding-DNA position 734, C replaced by T.
Protein change: p.Pro245Leu; replaces proline 245 with leucine.
Molecular consequence: missense variant. On other transcripts: non-coding transcript variant (1).
Genome position (GRCh38, 1-based): chr20:33,753,416, C>T. VCF-style: chr20-33753416-C-T. GRCh37 (hg19) VCF-style: chr20-32341222-C-T.
Other names: c.464C>T, p.Pro155Leu (NM_001282935.2); c.734C>T, p.Pro245Leu (NM_032819.5); short protein forms P155L, P245L.
Identifiers: ClinVar variation 1398788 (VCV001398788.8), dbSNP rs2122665224, ClinGen allele CA408650193.
Genomic context (GRCh38, chr20:33,753,416, plus strand): 5'-CGCCCCTGGCTGGGAGTGGAACGGTGGAGATCCAGGCACTGGGGATGCAGCCCTACCCAC[C>T]CCTAGAGGTGAGCAGAGGGGGCAGGGTGGAAGAGGACACTGGTCATGGACATCATGGCCA-3'
Protein context (NP_001269862.1, residues 235-255): IQALGMQPYP[Pro245Leu]LEVPNQCVEP